The following is an entry in ClinVar:

ClinVar aggregate classification (germline): Uncertain significance (1 of 4 stars; one submission).

Submission:

Labcorp Genetics (formerly Invitae), Labcorp
Classification: Uncertain significance. Last evaluated: 2022-09-12. Review status: criteria provided, single submitter. Criteria: Invitae Variant Classification Sherloc (09022015). Collection method: clinical testing. Allele origin: germline.
Comment: This sequence change replaces glutamine, which is neutral and polar, with leucine, which is neutral and non-polar, at codon 859 of the CFH protein (p.Gln859Leu). This variant is not present in population databases (gnomAD no frequency). This variant has not been reported in the literature in individuals affected with CFH-related conditions. Algorithms developed to predict the effect of missense changes on protein structure and function are either unavailable or do not agree on the potential impact of this missense change (SIFT: "Deleterious"; PolyPhen-2: "Probably Damaging"; Align-GVGD: "Class C0"). In summary, the available evidence is currently insufficient to determine the role of this variant in disease. Therefore, it has been classified as a Variant of Uncertain Significance.

NM_000186.4(CFH):c.2576A>T (p.Gln859Leu)

Gene: CFH (complement factor H; plus strand). Cytogenetic location: 1q31.3.
Variant type: single nucleotide variant.
Coding change: c.2576A>T on transcript NM_000186.4 (MANE Select); coding-DNA position 2576, A replaced by T.
Protein change: p.Gln859Leu; replaces glutamine 859 with leucine.
Molecular consequence: missense variant.
Genome position (GRCh38, 1-based): chr1:196,736,986, A>T. VCF-style: chr1-196736986-A-T. GRCh37 (hg19) VCF-style: chr1-196706116-A-T.
Other names: short protein forms Q859L.
Identifiers: ClinVar variation 1718492 (VCV001718492.5), dbSNP rs1669420430, ClinGen allele CA343993156.